The following is an entry in ClinVar:

ClinVar aggregate classification (germline): Uncertain significance (1 of 4 stars; one submission).

Conditions:
Propionic acidemia (PROP). Also called: GLYCINEMIA, KETOTIC; HYPERGLYCINEMIA WITH KETOACIDOSIS AND LEUKOPENIA; KETOTIC HYPERGLYCINEMIA. Identifiers: Orphanet 35, MedGen C0268579, MONDO:0011628, OMIM 606054, HP:0003571.

Allele frequency attached by ClinVar (database versions not stated): gnomAD exomes 0.00004.

Submission:

Labcorp Genetics (formerly Invitae), Labcorp
Classification: Uncertain significance for Propionic acidemia. Last evaluated: 2022-06-15. Review status: criteria provided, single submitter. Criteria: Invitae Variant Classification Sherloc (09022015). Collection method: clinical testing. Allele origin: germline.
Comment: This sequence change replaces methionine, which is neutral and non-polar, with isoleucine, which is neutral and non-polar, at codon 105 of the PCCA protein (p.Met105Ile). This variant is not present in population databases (gnomAD no frequency). This variant has not been reported in the literature in individuals affected with PCCA-related conditions. Advanced modeling of protein sequence and biophysical properties (such as structural, functional, and spatial information, amino acid conservation, physicochemical variation, residue mobility, and thermodynamic stability) performed at Invitae indicates that this missense variant is expected to disrupt PCCA protein function. In summary, the available evidence is currently insufficient to determine the role of this variant in disease. Therefore, it has been classified as a Variant of Uncertain Significance.

NM_000282.4(PCCA):c.315G>A (p.Met105Ile)

Gene: PCCA (propionyl-CoA carboxylase subunit alpha; plus strand). Cytogenetic location: 13q32.3.
Variant type: single nucleotide variant.
Coding change: c.315G>A on transcript NM_000282.4 (MANE Select); coding-DNA position 315, G replaced by A.
Protein change: p.Met105Ile; replaces methionine 105 with isoleucine.
Molecular consequence: missense variant. On other transcripts: 5 prime UTR variant (3), non-coding transcript variant (5).
Genome position (GRCh38, 1-based): chr13:100,154,993, G>A. VCF-style: chr13-100154993-G-A. GRCh37 (hg19) VCF-style: chr13-100807247-G-A.
Other names: c.237G>A, p.Met79Ile (NM_001127692.3, NM_001352607.2, NM_001352608.2); c.315G>A, p.Met105Ile (NM_001178004.2, NM_001352605.2, NM_001352606.2 and 1 more transcripts); c.-552G>A (NM_001352610.2, NM_001352611.2, NM_001352612.2); short protein forms M105I, M79I.
Identifiers: ClinVar variation 2154005 (VCV002154005.1), dbSNP rs917180029, ClinGen allele CA255970801.
Genomic context (GRCh38, chr13:100,154,993, plus strand): 5'-TCTTTTTGCTGGGCGCATCTGTTAATGCAGAAATTTGTCTCCTCAGGTTCATGTGAAAAT[G>A]GCGGATGAGGCTGTCTGTGTTGGCCCAGCTCCCACCAGTAAAAGCTACCTCAACATGGAT-3'
Protein context (NP_000273.2, residues 95-115): DVDASSVHVK[Met105Ile]ADEAVCVGPA